The following is an entry in ClinVar:

NM_078480.3(PUF60):c.1542G>T (p.Lys514Asn)

Gene: PUF60 (poly(U) binding splicing factor 60; minus strand). Cytogenetic location: 8q24.3.
Variant type: single nucleotide variant.
Coding change: c.1542G>T on transcript NM_078480.3 (MANE Select); coding-DNA position 1542, G replaced by T.
Protein change: p.Lys514Asn; replaces lysine 514 with asparagine.
Molecular consequence: missense variant.
Genome position (GRCh38, 1-based): chr8:143,816,658, C>A on the plus strand (G>T on the coding strand, the complement: PUF60 is on the minus strand). VCF-style: chr8-143816658-C-A. GRCh37 (hg19) VCF-style: chr8-144898828-C-A.
Other names: c.1413G>T, p.Lys471Asn (NM_001136033.3); c.1488G>T, p.Lys496Asn (NM_001271096.2); c.1404G>T, p.Lys468Asn (NM_001271097.2); c.1539G>T, p.Lys513Asn (NM_001271098.2); c.1455G>T, p.Lys485Asn (NM_001271099.2); c.1362G>T, p.Lys454Asn (NM_001271100.2); c.1653G>T, p.Lys551Asn (NM_001362895.2, NM_001362896.2); c.1602G>T, p.Lys534Asn (NM_001362897.2); and 1 more; short protein forms K454N, K468N, K471N, K485N, K496N, K497N, K513N, K514N.
Identifiers: ClinVar variation 4976340 (VCV004976340.1).

ClinVar aggregate classification (germline): Uncertain significance (1 of 4 stars; one submission).

gnomAD v4.1: 2 of 1,613,906 alleles (0.00012%); highest among the groups gnomAD compares: South Asian, 0.0022%; 1 homozygote.

Submission:

GeneDx
Classification: Uncertain significance. Last evaluated: 2026-02-07. Review status: criteria provided, single submitter. Criteria: GeneDx Variant Classification Process June 2021. Collection method: clinical testing. Allele origin: germline.
Comment: Not observed at significant frequency in large population cohorts (gnomAD); In silico analysis supports that this missense variant has a deleterious effect on protein structure/function; Has not been previously published as pathogenic or benign to our knowledge